The following is an entry in ClinVar:

NM_014844.5(TECPR2):c.1529_1557dup (p.Ser520delinsValSerTrpAlaValAlaTrpIleSerTer)

Gene: TECPR2 (tectonin beta-propeller repeat containing 2; plus strand). Cytogenetic location: 14q32.31.
Variant type: Duplication.
Coding change: c.1529_1557dup on transcript NM_014844.5 (MANE Select); coding-DNA positions 1529 to 1557, 29 bases duplicated (GTGTCCTGGGCAGTAGCGTGGATCAGTTA).
Protein change: p.Ser520delinsValSerTrpAlaValAlaTrpIleSerTer.
Molecular consequence: nonsense.
Genome position (GRCh38, 1-based): chr14:102,434,346-102,434,374, GTGTCCTGGGCAGTAGCGTGGATCAGTTA duplicated; duplicating any 29 consecutive bases within chr14:102,434,345-102,434,374 gives the same sequence; the c. name uses the placement nearest the transcript's 3' end. VCF-style (leftmost placement, unchanged base first): chr14-102434344-A-AAGTGTCCTGGGCAGTAGCGTGGATCAGTT. GRCh37 (hg19) VCF-style: chr14-102900681-A-AAGTGTCCTGGGCAGTAGCGTGGATCAGTT.
Other names: c.1529_1557dup, p.Ser520delinsValSerTrpAlaValAlaTrpIleSerTer (NM_001172631.3).
Identifiers: ClinVar variation 2112808 (VCV002112808.4), dbSNP rs2504423776, ClinGen allele CA2580088405.

ClinVar aggregate classification (germline): Pathogenic (1 of 4 stars; one submission).

Conditions:
Hereditary spastic paraplegia 49 (HSAN9). Also called: TECPR2-Related Hereditary Sensory and Autonomic Neuropathy with Intellectual Disability; NEUROPATHY, HEREDITARY SENSORY AND AUTONOMIC, TYPE IX, WITH DEVELOPMENTAL DELAY; Spastic paraplegia 49, autosomal recessive. Identifiers: Orphanet 320385, MedGen C5190860, MONDO:0014016, OMIM 615031.

Submission:

Labcorp Genetics (formerly Invitae), Labcorp
Classification: Pathogenic for Hereditary spastic paraplegia 49. Last evaluated: 2022-03-15. Review status: criteria provided, single submitter. Criteria: Invitae Variant Classification Sherloc (09022015). Collection method: clinical testing. Allele origin: germline.
Comment: For these reasons, this variant has been classified as Pathogenic. This variant has not been reported in the literature in individuals affected with TECPR2-related conditions. This variant is not present in population databases (gnomAD no frequency). This sequence change creates a premature translational stop signal (p.Ser520Valfs*10) in the TECPR2 gene. It is expected to result in an absent or disrupted protein product. Loss-of-function variants in TECPR2 are known to be pathogenic (PMID: 23176824, 25590979).

Literature cited by the submitters: PubMed 23176824; PubMed 25590979.